The following is an entry in ClinVar:

NM_024649.5(BBS1):c.449T>A (p.Leu150Ter)

Gene: BBS1 (Bardet-Biedl syndrome 1; plus strand). Cytogenetic location: 11q13.2.
Variant type: single nucleotide variant.
Coding change: c.449T>A on transcript NM_024649.5 (MANE Select); coding-DNA position 449, T replaced by A.
Protein change: p.Leu150Ter; replaces leucine 150 with a stop codon.
Molecular consequence: nonsense.
Genome position (GRCh38, 1-based): chr11:66,515,556, T>A. VCF-style: chr11-66515556-T-A. GRCh37 (hg19) VCF-style: chr11-66283027-T-A.
Other names: short protein forms L150*.
Identifiers: ClinVar variation 2701662 (VCV002701662.3), dbSNP rs2495739867, ClinGen allele CA381457317.

ClinVar aggregate classification (germline): Pathogenic (1 of 4 stars; one submission).

Conditions:
Bardet-Biedl syndrome (BBS). Identifiers: Orphanet 110, MedGen C0752166, MONDO:0015229.

Submission:

Labcorp Genetics (formerly Invitae), Labcorp
Classification: Pathogenic for Bardet-Biedl syndrome. Last evaluated: 2023-12-09. Review status: criteria provided, single submitter. Criteria: Invitae Variant Classification Sherloc (09022015). Collection method: clinical testing. Allele origin: germline.
Comment: This sequence change creates a premature translational stop signal (p.Leu150*) in the BBS1 gene. It is expected to result in an absent or disrupted protein product. Loss-of-function variants in BBS1 are known to be pathogenic (PMID: 12118255, 21520335, 27032803). This variant is not present in population databases (gnomAD no frequency). This variant has not been reported in the literature in individuals affected with BBS1-related conditions. For these reasons, this variant has been classified as Pathogenic.

Literature cited by the submitters: PubMed 12118255; PubMed 21520335; PubMed 27032803.